The following is an entry in ClinVar:

ClinVar aggregate classification (germline): Benign/Likely benign. Review status: criteria provided, multiple submitters, no conflicts (2 of 4 stars). 3 submissions from 3 submitters: Benign (1); Likely benign (1). 1 of the submissions does not count toward it. Last evaluated 2026-01-11.

Conditions:
Emery-Dreifuss muscular dystrophy 5, autosomal dominant (EDMD5). Also called: EMERY-DREIFUSS MUSCULAR DYSTROPHY 5. Identifiers: Orphanet 261, MedGen C2751805, MONDO:0013072, OMIM 612999.
SYNE2-related disorder. Also called: SYNE2-related condition.

Allele frequency attached by ClinVar (database versions not stated): TOPMed 0.00003.

Submissions (3):

Labcorp Genetics (formerly Invitae), Labcorp
Classification: Likely benign for Emery-Dreifuss muscular dystrophy 5, autosomal dominant. Last evaluated: 2026-01-11. Review status: criteria provided, single submitter. Criteria: Invitae Variant Classification Sherloc (09022015). Collection method: clinical testing. Allele origin: germline.

Illumina Laboratory Services, Illumina
Classification: Benign for Emery-Dreifuss muscular dystrophy 5, autosomal dominant. Last evaluated: 2018-01-13. Review status: criteria provided, single submitter. Criteria: ICSL Variant Classification Criteria 13 December 2019. Collection method: clinical testing. Allele origin: germline.
Comment: This variant was observed in the ICSL laboratory as part of a predisposition screen in an ostensibly healthy population. It had not been previously curated by ICSL or reported in the Human Gene Mutation Database (HGMD: prior to June 1st, 2018), and was therefore a candidate for classification through an automated scoring system. Utilizing variant allele frequency, disease prevalence and penetrance estimates, and inheritance mode, an automated score was calculated to assess if this variant is too frequent to cause the disease. Based on the score and internal cut-off values, a variant classified as benign is not then subjected to further curation. The score for this variant resulted in a classification of benign for this disease.

PreventionGenetics, part of Exact Sciences
Classification: Likely benign for SYNE2-related condition. Last evaluated: 2019-06-12. Review status: no assertion criteria provided. Collection method: clinical testing. Allele origin: germline. Not counted in ClinVar's aggregate classification.
Comment: This variant is classified as likely benign based on ACMG/AMP sequence variant interpretation guidelines (Richards et al. 2015 PMID: 25741868, with internal and published modifications).

NM_182914.3(SYNE2):c.14676C>T (p.His4892=)

Gene: SYNE2 (spectrin repeat containing nuclear envelope protein 2; plus strand). Cytogenetic location: 14q23.2.
Variant type: single nucleotide variant.
Coding change: c.14676C>T on transcript NM_182914.3 (MANE Select); coding-DNA position 14676, C replaced by T.
Protein change: p.His4892=; no amino-acid change (histidine 4892 retained).
Molecular consequence: synonymous variant.
Genome position (GRCh38, 1-based): chr14:64,137,816, C>T. VCF-style: chr14-64137816-C-T. GRCh37 (hg19) VCF-style: chr14-64604534-C-T.
Other names: c.14676C>T, p.His4892= (NM_015180.6).
Identifiers: ClinVar variation 882921 (VCV000882921.14), dbSNP rs375987275, ClinGen allele CA7222844.